The following is an entry in ClinVar:

ClinVar aggregate classification (germline): Uncertain significance (1 of 4 stars; one submission).

Conditions:
Developmental and epileptic encephalopathy, 37 (DEE37). Also called: Epileptic encephalopathy, early infantile, 37. Identifiers: MedGen C4310770, MONDO:0014859, OMIM 616981.

Allele frequency attached by ClinVar (database versions not stated): gnomAD exomes below 0.00001.
gnomAD v4.1: 1 of 1,613,808 alleles (0.000062%); highest among the groups gnomAD compares: Non-Finnish European, 0.000085%; no homozygotes.

Submission:

Labcorp Genetics (formerly Invitae), Labcorp
Classification: Uncertain significance for Developmental and epileptic encephalopathy, 37. Last evaluated: 2022-06-13. Review status: criteria provided, single submitter. Criteria: Invitae Variant Classification Sherloc (09022015). Collection method: clinical testing. Allele origin: germline.
Comment: In summary, the available evidence is currently insufficient to determine the role of this variant in disease. Therefore, it has been classified as a Variant of Uncertain Significance. Algorithms developed to predict the effect of missense changes on protein structure and function are either unavailable or do not agree on the potential impact of this missense change (SIFT: "Tolerated"; PolyPhen-2: "Possibly Damaging"; Align-GVGD: "Class C0"). This variant has not been reported in the literature in individuals affected with FRRS1L-related conditions. This variant is not present in population databases (gnomAD no frequency). This sequence change replaces alanine, which is neutral and non-polar, with threonine, which is neutral and polar, at codon 189 of the FRRS1L protein (p.Ala189Thr).

NM_014334.4(FRRS1L):c.412G>A (p.Ala138Thr)

Gene: FRRS1L (ferric chelate reductase 1 like; minus strand). Cytogenetic location: 9q31.3.
Variant type: single nucleotide variant.
Coding change: c.412G>A on transcript NM_014334.4 (MANE Select); coding-DNA position 412, G replaced by A.
Protein change: p.Ala138Thr; replaces alanine 138 with threonine.
Molecular consequence: missense variant.
Genome position (GRCh38, 1-based): chr9:109,147,101, C>T on the plus strand (G>A on the coding strand, the complement: FRRS1L is on the minus strand). VCF-style: chr9-109147101-C-T. GRCh37 (hg19) VCF-style: chr9-111909381-C-T.
Other names: short protein forms A138T.
Identifiers: ClinVar variation 1408355 (VCV001408355.6), dbSNP rs2118482092, ClinGen allele CA374426811.